The following is an entry in ClinVar:

ClinVar aggregate classification (germline): Benign. Review status: criteria provided, multiple submitters, no conflicts (2 of 4 stars). 3 submissions from 3 submitters: Benign (3). Last evaluated 2018-08-07.

Conditions:
Mulibrey nanism syndrome. Also called: MUSCLE-LIVER-BRAIN-EYE NANISM; PERHEENTUPA SYNDROME; PERICARDIAL CONSTRICTION AND GROWTH FAILURE. Identifiers: Orphanet 2576, MedGen C0524582, MONDO:0009664, OMIM 253250.

Allele frequency attached by ClinVar (database versions not stated): 1000 Genomes Project 0.61182; 1000 Genomes Project 30x 0.61493; TOPMed 0.63966; gnomAD 0.65236 and 0.65862.
gnomAD v4.1: 315,749 of 509,406 alleles (62%); highest among the groups gnomAD compares: African/African-American, 77%; 99,763 homozygotes.

Submissions (3):

GeneDx
Classification: Benign. Last evaluated: 2018-08-07. Review status: criteria provided, single submitter. Criteria: GeneDx Variant Classification Process June 2021. Collection method: clinical testing. Allele origin: germline. Affected: yes.

Illumina Laboratory Services, Illumina
Classification: Benign for Mulibrey nanism syndrome. Last evaluated: 2018-01-12. Review status: criteria provided, single submitter. Criteria: ICSL Variant Classification Criteria 13 December 2019. Collection method: clinical testing. Allele origin: germline.
Comment: This variant was observed in the ICSL laboratory as part of a predisposition screen in an ostensibly healthy population. It had not been previously curated by ICSL or reported in the Human Gene Mutation Database (HGMD: prior to June 1st, 2018), and was therefore a candidate for classification through an automated scoring system. Utilizing variant allele frequency, disease prevalence and penetrance estimates, and inheritance mode, an automated score was calculated to assess if this variant is too frequent to cause the disease. Based on the score and internal cut-off values, a variant classified as benign is not then subjected to further curation. The score for this variant resulted in a classification of benign for this disease.

Breakthrough Genomics
Classification: Benign. Review status: criteria provided, single submitter. Criteria: ACMG Guidelines, 2015. Collection method: not provided. Allele origin: germline. Inheritance: Autosomal recessive inheritance. Affected: yes.

NM_015294.6(TRIM37):c.-340T>G

Gene: TRIM37 (tripartite motif containing 37; minus strand). Cytogenetic location: 17q22.
Variant type: single nucleotide variant.
Coding change: c.-340T>G on transcript NM_015294.6 (MANE Select); 340 bases upstream of the start codon, T replaced by G.
Molecular consequence: 5 prime UTR variant. On other transcripts: non-coding transcript variant (2).
Genome position (GRCh38, 1-based): chr17:59,106,801, A>C on the plus strand (T>G on the coding strand, the complement: TRIM37 is on the minus strand). VCF-style: chr17-59106801-A-C. GRCh37 (hg19) VCF-style: chr17-57184162-A-C.
Other names: c.-340T>G (NM_001005207.5, NM_001320987.3, NM_001320988.3 and 4 more transcripts); c.-782T>G (NM_001320990.3); c.-1092T>G (NM_001353083.2); c.-612T>G (NM_001353085.2).
Identifiers: ClinVar variation 324219 (VCV000324219.8), dbSNP rs7503190, ClinGen allele CA10640093.
Genomic context (GRCh38, chr17:59,106,801, plus strand): 5'-GCGCCGGAACCTCGGCCCACGTGACGCGGGCGCGCGCCTATGGAACTGACGGTGGAGTTC[A>C]GCGAAGAAGGTGCCGCAGAGAATTCGCAAACACCAACCGTAACCAGAGCAGCTGGGGGCG-3'